The following is an entry in ClinVar:

ClinVar aggregate classification (germline): Conflicting classifications of pathogenicity. Review status: criteria provided, conflicting classifications (1 of 4 stars). 4 submissions from 4 submitters: Uncertain significance (2); Likely benign (1). 1 of the submissions does not count toward it. Last evaluated 2025-12-13.

Conditions:
Nemaline myopathy 2 (NEM2). Also called: Nemaline myopathy 2, autosomal recessive. Identifiers: MedGen C1850569, MONDO:0009725, OMIM 256030.
Inborn genetic diseases. Identifiers: MedGen C0950123, MeSH D030342.

Allele frequency attached by ClinVar (database versions not stated): gnomAD 0.00001 and 0.00002; gnomAD exomes 0.00002 and 0.00006; ExAC 0.00004; TOPMed 0.00006.
gnomAD v4.1: 37 of 1,611,876 alleles (0.0023%); highest among the groups gnomAD compares: Admixed American, 0.027%; no homozygotes.

Submissions (4):

Labcorp Genetics (formerly Invitae), Labcorp
Classification: Likely benign for Nemaline myopathy 2. Last evaluated: 2025-12-13. Review status: criteria provided, single submitter. Criteria: Invitae Variant Classification Sherloc (09022015). Collection method: clinical testing. Allele origin: germline.

Ambry Genetics
Classification: Uncertain significance for Inborn genetic diseases. Last evaluated: 2025-04-20. Review status: criteria provided, single submitter. Criteria: Ambry Variant Classification Scheme 2023. Collection method: clinical testing. Allele origin: germline.

GeneDx
Classification: Uncertain significance. Last evaluated: 2021-08-13. Review status: criteria provided, single submitter. Criteria: GeneDx Variant Classification Process June 2021. Collection method: clinical testing. Allele origin: germline. Affected: yes.
Comment: In silico analysis supports that this missense variant does not alter protein structure/function; Has not been previously published as pathogenic or benign to our knowledge

Natera, Inc.
Classification: Uncertain significance for Nemaline myopathy type 2. Last evaluated: 2019-11-11. Review status: no assertion criteria provided. Collection method: clinical testing. Allele origin: germline. Not counted in ClinVar's aggregate classification.

NM_001164508.2(NEB):c.20144A>G (p.Asn6715Ser)

Gene: NEB (nebulin; minus strand). Cytogenetic location: 2q23.3.
Variant type: single nucleotide variant.
Coding change: c.20144A>G on transcript NM_001164508.2 (MANE Select); coding-DNA position 20144, A replaced by G.
Protein change: p.Asn6715Ser; replaces asparagine 6715 with serine.
Molecular consequence: missense variant.
Genome position (GRCh38, 1-based): chr2:151,548,321, T>C on the plus strand (A>G on the coding strand, the complement: NEB is on the minus strand). VCF-style: chr2-151548321-T-C. GRCh37 (hg19) VCF-style: chr2-152404835-T-C.
Other names: c.20144A>G, p.Asn6715Ser (NM_001164507.2, NM_001271208.2); c.15041A>G, p.Asn5014Ser (NM_004543.5); c.15041A>G (NM_004543.4); short protein forms N6715S, N5014S.
Identifiers: ClinVar variation 534011 (VCV000534011.14), dbSNP rs536934629, ClinGen allele CA1907427.
Genomic context (GRCh38, chr2:151,548,321, plus strand): 5'-GGCTATTGAAACTCAATATGTCTCTTGGAGAATCAGCATTCAGGTACCTCGCTGGTAACA[T>C]TGTTGACTCTCCGGACGTGGACAAATGGAACATCTTTGGGGCCAAGTGTATACCCATATG-3'
Protein context (NP_001157980.2, residues 6705-6725): VPFVHVRRVN[Asn6715Ser]VTSERLYREL